The following is an entry in ClinVar:

NM_004055.5(CAPN5):c.1852C>T (p.Arg618Trp)

Gene: CAPN5 (calpain 5; plus strand). Cytogenetic location: 11q13.5.
Variant type: single nucleotide variant.
Coding change: c.1852C>T on transcript NM_004055.5 (MANE Select); coding-DNA position 1852, C replaced by T.
Protein change: p.Arg618Trp; replaces arginine 618 with tryptophan.
Molecular consequence: missense variant.
Genome position (GRCh38, 1-based): chr11:77,123,799, C>T. VCF-style: chr11-77123799-C-T. GRCh37 (hg19) VCF-style: chr11-76834845-C-T.
Other names: short protein forms R618W.
Identifiers: ClinVar variation 963323 (VCV000963323.9), dbSNP rs201372363, ClinGen allele CA6196937.

ClinVar aggregate classification (germline): Uncertain significance (1 of 4 stars; one submission).

Allele frequency attached by ClinVar (database versions not stated): gnomAD 0.00001; ExAC 0.00002; TOPMed 0.00002; gnomAD exomes 0.00004.
gnomAD v4.1: 58 of 1,613,788 alleles (0.0036%); highest among the groups gnomAD compares: South Asian, 0.0077%; no homozygotes.

Submission:

Labcorp Genetics (formerly Invitae), Labcorp
Classification: Uncertain significance. Last evaluated: 2025-02-06. Review status: criteria provided, single submitter. Criteria: Invitae Variant Classification Sherloc (09022015). Collection method: clinical testing. Allele origin: germline.
Comment: This sequence change replaces arginine, which is basic and polar, with tryptophan, which is neutral and slightly polar, at codon 618 of the CAPN5 protein (p.Arg618Trp). This variant is present in population databases (rs201372363, gnomAD 0.02%). This variant has not been reported in the literature in individuals affected with CAPN5-related conditions. ClinVar contains an entry for this variant (Variation ID: 963323). An algorithm developed to predict the effect of missense changes on protein structure and function (PolyPhen-2) suggests that this variant is likely to be disruptive. In summary, the available evidence is currently insufficient to determine the role of this variant in disease. Therefore, it has been classified as a Variant of Uncertain Significance.